The following is an entry in ClinVar:

NM_025114.4(CEP290):c.7171_7172del (p.Gln2391fs)

Gene: CEP290 (centrosomal protein 290; minus strand). Cytogenetic location: 12q21.32.
Variant type: Microsatellite.
Coding change: c.7171_7172del on transcript NM_025114.4 (MANE Select); coding-DNA positions 7171 to 7172, 2 bases deleted (CA; older notation c.7171_7172delCA).
Protein change: p.Gln2391fs; shifts the reading frame from glutamine 2391.
Molecular consequence: frameshift variant.
Genome position (GRCh38, 1-based): chr12:88,050,391-88,050,392, TG deleted on the plus strand (CA on the coding strand, the reverse complement: CEP290 is on the minus strand); deleting any 2 consecutive bases within chr12:88,050,391-88,050,395 gives the same sequence; the c. name uses the placement nearest the transcript's 3' end. VCF-style (leftmost placement, unchanged base first): chr12-88050390-CTG-C. GRCh37 (hg19) VCF-style: chr12-88444167-CTG-C.
Other names: short protein forms Q2391fs.
Identifiers: ClinVar variation 1457648 (VCV001457648.8), dbSNP rs768864797, ClinGen allele CA6711333.

ClinVar aggregate classification (germline): Pathogenic (1 of 4 stars; one submission).

Conditions:
Nephronophthisis. Also called: Juvenile Nephronophthisis. Identifiers: Orphanet 655, MedGen C0687120, MONDO:0019005, HP:0000090.
Meckel-Gruber syndrome. Also called: DYSENCEPHALIA SPLANCHNOCYSTICA; GRUBER SYNDROME; Dysencephalia splachnocystica. Identifiers: Orphanet 564, MedGen C0265215, MONDO:0018921.
Joubert syndrome. Also called: CEREBELLOPARENCHYMAL DISORDER IV; JOUBERT-BOLTSHAUSER SYNDROME; Familial aplasia of the vermis. Identifiers: Orphanet 475, MedGen C5979921, MONDO:0018772.

Submission:

Labcorp Genetics (formerly Invitae), Labcorp
Classification: Pathogenic for Joubert syndrome; Meckel-Gruber syndrome; Nephronophthisis. Last evaluated: 2024-01-05. Review status: criteria provided, single submitter. Criteria: Invitae Variant Classification Sherloc (09022015). Collection method: clinical testing. Allele origin: germline.
Comment: This sequence change creates a premature translational stop signal (p.Gln2391Alafs*26) in the CEP290 gene. While this is not anticipated to result in nonsense mediated decay, it is expected to disrupt the last 89 amino acid(s) of the CEP290 protein. This variant is present in population databases (rs768864797, gnomAD 0.007%). This variant has not been reported in the literature in individuals affected with CEP290-related conditions. This variant disrupts a region of the CEP290 protein in which other variant(s) (p.Glu2412Argfs*6) have been determined to be pathogenic (Invitae). This suggests that this is a clinically significant region of the protein, and that variants that disrupt it are likely to be disease-causing. For these reasons, this variant has been classified as Pathogenic.